The following is an entry in ClinVar:

ClinVar aggregate classification (germline): Uncertain significance (1 of 4 stars; one submission).

gnomAD v4.1: 9 of 456,160 alleles (0.002%); highest among the groups gnomAD compares: South Asian, 0.0046%; no homozygotes.

Submission:

CeGaT Center for Human Genetics Tuebingen
Classification: Uncertain significance. Last evaluated: 2026-04-01. Review status: criteria provided, single submitter. Criteria: CeGaT Center For Human Genetics Tuebingen Variant Classification Criteria Version 2. Collection method: clinical testing. Allele origin: germline. Affected: yes. Observed: 1 variant allele.
Comment: AKNA: PM2, BP4

NM_001317950.2(AKNA):c.3222-1047C>T

Gene: AKNA (AT-hook transcription factor; minus strand). Cytogenetic location: 9q32.
Variant type: single nucleotide variant.
Coding change: c.3222-1047C>T on transcript NM_001317950.2 (MANE Select); 1047 bases into the intron before coding-DNA position 3222, C replaced by T.
Molecular consequence: intron variant.
Genome position (GRCh38, 1-based): chr9:114,348,947, G>A on the plus strand (C>T on the coding strand, the complement: AKNA is on the minus strand). VCF-style: chr9-114348947-G-A. GRCh37 (hg19) VCF-style: chr9-117111227-G-A.
Other names: c.2865-1047C>T (NM_001317952.1); c.3222-1047C>T (NM_030767.5).
Identifiers: ClinVar variation 4873623 (VCV004873623.2).